The following is an entry in ClinVar:

NM_002547.3(OPHN1):c.1889C>A (p.Pro630His)

Gene: OPHN1 (oligophrenin 1; minus strand). Cytogenetic location: Xq12.
Variant type: single nucleotide variant.
Coding change: c.1889C>A on transcript NM_002547.3 (MANE Select); coding-DNA position 1889, C replaced by A.
Protein change: p.Pro630His; replaces proline 630 with histidine.
Molecular consequence: missense variant.
Genome position (GRCh38, 1-based): chrX:68,064,123, G>T on the plus strand (C>A on the coding strand, the complement: OPHN1 is on the minus strand). VCF-style: chrX-68064123-G-T. GRCh37 (hg19) VCF-style: chrX-67283965-G-T.
Other names: short protein forms P630H.
Identifiers: ClinVar variation 1029461 (VCV001029461.1), dbSNP rs866834118, ClinGen allele CA330807968.

ClinVar aggregate classification (germline): Uncertain significance (1 of 4 stars; one submission).

Conditions:
Intellectual developmental disorder, X-linked, syndromic, Billuart type. Also called: X-linked intellectual disability-cerebellar hypoplasia syndrome; MENTAL RETARDATION, X-LINKED 60. Identifiers: Orphanet 137831, MedGen C1845366, MONDO:0010337, OMIM 300486.

Submission:

Baylor Genetics
Classification: Uncertain significance for Intellectual developmental disorder, X-linked, syndromic, Billuart type. Last evaluated: 2019-10-09. Review status: criteria provided, single submitter. Criteria: ACMG Guidelines, 2015. Collection method: clinical testing. Allele origin: de novo. Affected: yes.
Comment: This variant was determined to be of uncertain significance according to ACMG Guidelines, 2015 [PMID:25741868].